The following is an entry in ClinVar:

NM_138576.4(BCL11B):c.1628A>C (p.Glu543Ala)

Gene: BCL11B (BCL11 transcription factor B; minus strand). Cytogenetic location: 14q32.2.
Variant type: single nucleotide variant.
Coding change: c.1628A>C on transcript NM_138576.4 (MANE Select); coding-DNA position 1628, A replaced by C.
Protein change: p.Glu543Ala; replaces glutamic acid 543 with alanine.
Molecular consequence: missense variant.
Genome position (GRCh38, 1-based): chr14:99,175,208, T>G on the plus strand (A>C on the coding strand, the complement: BCL11B is on the minus strand). VCF-style: chr14-99175208-T-G. GRCh37 (hg19) VCF-style: chr14-99641545-T-G.
Other names: c.1625A>C, p.Glu542Ala (NM_001282237.2); c.1412A>C, p.Glu471Ala (NM_001282238.2); c.1415A>C, p.Glu472Ala (NM_022898.3); short protein forms E471A, E472A, E542A, E543A.
Identifiers: ClinVar variation 4075649 (VCV004075649.1).
Genomic context (GRCh38, chr14:99,175,208, plus strand): 5'-CTCAGCTCCGAGTCCATGCTGAAGCTCGACTCGGGCCGGCTCTCGTTCTCCAGTAGCAGC[T>G]CCTCCTCCTCCTCCTCCTCCTCCTCGTCCTCCTCCTCCGGCTCGTGGCCCAGCGACGGGT-3'
Protein context (NP_612808.1, residues 533-553): EDEEEEEEEE[Glu543Ala]LLLENESRPE

ClinVar aggregate classification (germline): Uncertain significance (1 of 4 stars; one submission).

Submission:

GeneDx
Classification: Uncertain significance. Last evaluated: 2025-02-18. Review status: criteria provided, single submitter. Criteria: GeneDx Variant Classification Process June 2021. Collection method: clinical testing. Allele origin: germline. Affected: yes.
Comment: Not observed at significant frequency in large population cohorts (gnomAD); In silico analysis supports that this missense variant has a deleterious effect on protein structure/function; Has not been previously published as pathogenic or benign to our knowledge